The following is an entry in ClinVar:

ClinVar aggregate classification (germline): Pathogenic/Likely pathogenic. Review status: criteria provided, multiple submitters, no conflicts (2 of 4 stars). 6 submissions from 6 submitters: Pathogenic (4); Likely pathogenic (2). Last evaluated 2025-09-20.

Conditions:
Multiple congenital anomalies-hypotonia-seizures syndrome 1 (MCAHS1). Also called: PIGN-CDG; Congenital disorder of glycosylation due to PIGN deficiency; GLYCOSYLPHOSPHATIDYLINOSITOL BIOSYNTHESIS DEFECT 3. Identifiers: Orphanet 280633, MedGen C3279775, MONDO:0013563, OMIM 614080.
PIGN-related disorder. Also called: PIGN-related condition.

Allele frequency attached by ClinVar (database versions not stated): gnomAD exomes 0.00002 and 0.00005; ExAC 0.00004; TOPMed 0.00005; gnomAD 0.00006.
gnomAD v4.1: 84 of 1,510,966 alleles (0.0056%); highest among the groups gnomAD compares: Non-Finnish European, 0.0068%; no homozygotes.

Submissions (6):

Labcorp Genetics (formerly Invitae), Labcorp
Classification: Pathogenic for Multiple congenital anomalies-hypotonia-seizures syndrome 1. Last evaluated: 2025-09-20. Review status: criteria provided, single submitter. Criteria: Invitae Variant Classification Sherloc (09022015). Collection method: clinical testing. Allele origin: germline.
Comment: This sequence change affects an acceptor splice site in intron 24 of the PIGN gene. It is expected to disrupt RNA splicing. Variants that disrupt the donor or acceptor splice site typically lead to a loss of protein function (PMID: 16199547), and loss-of-function variants in PIGN are known to be pathogenic (PMID: 24253414, 27038415). This variant is present in population databases (rs760977825, gnomAD 0.006%). Disruption of this splice site has been observed in individuals with clinical features of PIGN-related conditions (PMID: 35179230). ClinVar contains an entry for this variant (Variation ID: 426235). Algorithms developed to predict the effect of sequence changes on RNA splicing suggest that this variant may disrupt the consensus splice site. For these reasons, this variant has been classified as Pathogenic.

First Genomix Gene Laboratory, Genetic Diagnostics Department
Classification: Pathogenic for Multiple congenital anomalies-hypotonia-seizures syndrome 1. Last evaluated: 2025-09-15. Review status: criteria provided, single submitter. Criteria: ACMG Guidelines, 2015. Collection method: clinical testing. Allele origin: germline. Inheritance: Autosomal recessive inheritance. Affected: no. Observed: 1 variant allele.

GeneDx
Classification: Likely pathogenic. Last evaluated: 2025-08-26. Review status: criteria provided, single submitter. Criteria: GeneDx Variant Classification Process June 2021. Collection method: clinical testing. Allele origin: germline. Affected: yes.
Comment: Canonical splice site variant predicted to result in an in-frame loss of the adjacent exon in a gene for which loss of function is a known mechanism of disease; Not observed at significant frequency in large population cohorts (gnomAD); This variant is associated with the following publications: (PMID: 27038415, 24253414, 16199547, 31589614, 31440721, 35179230, 36322149)

Blueprint Genetics
Classification: Likely pathogenic for PIGN-related disorders. Last evaluated: 2024-05-29. Review status: criteria provided, single submitter. Criteria: ACMG Guidelines, 2015. Collection method: clinical testing. Allele origin: germline. Affected: yes. Observed: 4 variant alleles.

Revvity Omics, Revvity
Classification: Pathogenic for Multiple congenital anomalies-hypotonia-seizures syndrome 1. Last evaluated: 2019-11-11. Review status: criteria provided, single submitter. Criteria: ACMG Guidelines, 2015. Collection method: clinical testing. Allele origin: germline.

Institute of Human Genetics Munich, TUM University Hospital
Classification: Pathogenic for Multiple congenital anomalies-hypotonia-seizures syndrome 1. Last evaluated: 2019-06-05. Review status: criteria provided, single submitter. Criteria: Classification criteria August 2017. Collection method: clinical testing. Allele origin: paternal. Inheritance: Autosomal recessive inheritance. Affected: yes. Observed: 1 compound heterozygote.

Literature cited by the submitters: PubMed 16199547 (cited by Labcorp Genetics (formerly Invitae), Labcorp); PubMed 24253414 (cited by Labcorp Genetics (formerly Invitae), Labcorp); PubMed 27038415 (cited by Labcorp Genetics (formerly Invitae), Labcorp); PubMed 35179230 (cited by Labcorp Genetics (formerly Invitae), Labcorp).

NM_176787.5(PIGN):c.2284-1G>C

Gene: PIGN (phosphatidylinositol glycan anchor biosynthesis class N; minus strand). Cytogenetic location: 18q21.33.
Variant type: single nucleotide variant.
Coding change: c.2284-1G>C on transcript NM_176787.5 (MANE Select); the canonical splice acceptor site of the intron before coding-DNA position 2284, G replaced by C.
Molecular consequence: splice acceptor variant.
Genome position (GRCh38, 1-based): chr18:62,088,843, C>G on the plus strand (G>C on the coding strand, the complement: PIGN is on the minus strand). VCF-style: chr18-62088843-C-G. GRCh37 (hg19) VCF-style: chr18-59756076-C-G.
Other names: c.2284-1G>C (NM_012327.6).
Identifiers: ClinVar variation 426235 (VCV000426235.21), dbSNP rs760977825, ClinGen allele CA8982014.